The following is an entry in ClinVar:

ClinVar aggregate classification (germline): Uncertain significance (1 of 4 stars; one submission).

Allele frequency attached by ClinVar (database versions not stated): ESP Exome Variant Server 0.00009; gnomAD exomes 0.00001; TOPMed 0.00001; ExAC 0.00001; gnomAD 0.00001.
gnomAD v4.1: 16 of 1,208,015 alleles (0.0013%); highest among the groups gnomAD compares: Admixed American, 0.0022%; no homozygotes.

Submission:

Labcorp Genetics (formerly Invitae), Labcorp
Classification: Uncertain significance. Last evaluated: 2025-11-23. Review status: criteria provided, single submitter. Criteria: Invitae Variant Classification Sherloc (09022015). Collection method: clinical testing. Allele origin: germline.
Comment: This sequence change replaces aspartic acid, which is acidic and polar, with glycine, which is neutral and non-polar, at codon 308 of the POLA1 protein (p.Asp308Gly). This variant is present in population databases (rs148411107, gnomAD 0.004%), including at least one homozygous and/or hemizygous individual. This variant has not been reported in the literature in individuals affected with POLA1-related conditions. ClinVar contains an entry for this variant (Variation ID: 2723863). Invitae Evidence Modeling of protein sequence and biophysical properties (such as structural, functional, and spatial information, amino acid conservation, physicochemical variation, residue mobility, and thermodynamic stability) indicates that this missense variant is not expected to disrupt POLA1 protein function with a negative predictive value of 80%. In summary, the available evidence is currently insufficient to determine the role of this variant in disease. Therefore, it has been classified as a Variant of Uncertain Significance.

NM_001330360.2(POLA1):c.941A>G (p.Asp314Gly)

Gene: POLA1 (DNA polymerase alpha 1, catalytic subunit; plus strand). Cytogenetic location: Xp22.11.
Variant type: single nucleotide variant.
Coding change: c.941A>G on transcript NM_001330360.2 (MANE Select); coding-DNA position 941, A replaced by G.
Protein change: p.Asp314Gly; replaces aspartic acid 314 with glycine.
Molecular consequence: missense variant. On other transcripts: non-coding transcript variant (2).
Genome position (GRCh38, 1-based): chrX:24,717,612, A>G. VCF-style: chrX-24717612-A-G. GRCh37 (hg19) VCF-style: chrX-24735729-A-G.
Other names: c.941A>G, p.Asp314Gly (NM_001378303.1); c.923A>G, p.Asp308Gly (NM_016937.4); short protein forms D314G, D308G.
Identifiers: ClinVar variation 2723863 (VCV002723863.3), dbSNP rs148411107, ClinGen allele CA10372883.